The following is an entry in ClinVar:

NM_001113491.2(SEPTIN9):c.*789G>A

Gene: SEPTIN9 (septin 9; plus strand). Cytogenetic location: 17q25.3.
Variant type: single nucleotide variant.
Coding change: c.*789G>A on transcript NM_001113491.2 (MANE Select); 789 bases downstream of the stop codon, G replaced by A.
Molecular consequence: 3 prime UTR variant.
Genome position (GRCh38, 1-based): chr17:77,499,447, G>A. VCF-style: chr17-77499447-G-A. GRCh37 (hg19) VCF-style: chr17-75495529-G-A.
Other names: c.*789G>A (NM_001113492.2, NM_001113493.2, NM_001113494.1 and 7 more transcripts).
Identifiers: ClinVar variation 325599 (VCV000325599.6), dbSNP rs12969, ClinGen allele CA8794047.
Genomic context (GRCh38, chr17:77,499,447, plus strand): 5'-CCCGCCCCCACCGGGCTGCAGGTGCTGCTGATGCGCTGGGATCTGATTGAGGATAAAAAG[G>A]AAGGAGAGATGACCCCTACCCCCTCATCCCCCAGTTTTGAAAAGGTCTAAGCAAGTGAGT-3'

ClinVar aggregate classification (germline): Benign. Review status: criteria provided, multiple submitters, no conflicts (2 of 4 stars). 2 submissions from 2 submitters: Benign (2). Last evaluated 2018-01-13.

Conditions:
Amyotrophic neuralgia (HNA). Also called: AMYOTROPHY, HEREDITARY NEURALGIC; Hereditary Brachial Plexus Neuropathy; Neuritis with Brachial Predilection; AMYOTROPHY, HEREDITARY NEURALGIC, WITH PREDILECTION FOR BRACHIAL PLEXUS. Identifiers: Orphanet 2901, MedGen C1834304, MONDO:0008076, OMIM 162100.

Allele frequency attached by ClinVar (database versions not stated): 1000 Genomes Project 0.00060; 1000 Genomes Project 30x 0.00062; TOPMed 0.00090; ExAC 0.00158; gnomAD exomes 0.00163 and 0.00222; gnomAD 0.00234 and 0.00247.
gnomAD v4.1: 1,204 of 535,062 alleles (0.23%); highest among the groups gnomAD compares: Non-Finnish European, 0.28%; 3 homozygotes.

Submissions (2):

Illumina Laboratory Services, Illumina
Classification: Benign for Amyotrophy, hereditary neuralgic. Last evaluated: 2018-01-13. Review status: criteria provided, single submitter. Criteria: ICSL Variant Classification Criteria 13 December 2019. Collection method: clinical testing. Allele origin: germline.
Comment: This variant was observed in the ICSL laboratory as part of a predisposition screen in an ostensibly healthy population. It had not been previously curated by ICSL or reported in the Human Gene Mutation Database (HGMD: prior to June 1st, 2018), and was therefore a candidate for classification through an automated scoring system. Utilizing variant allele frequency, disease prevalence and penetrance estimates, and inheritance mode, an automated score was calculated to assess if this variant is too frequent to cause the disease. Based on the score and internal cut-off values, a variant classified as benign is not then subjected to further curation. The score for this variant resulted in a classification of benign for this disease.

Breakthrough Genomics
Classification: Benign. Review status: criteria provided, single submitter. Criteria: ACMG Guidelines, 2015. Collection method: not provided. Allele origin: germline. Inheritance: Autosomal dominant inheritance. Affected: yes.